The following is an entry in ClinVar:

NM_000535.7(PMS2):c.803+1G>A

Gene: PMS2 (PMS1 homolog 2, mismatch repair system component; minus strand). Cytogenetic location: 7p22.1.
Variant type: single nucleotide variant.
Coding change: c.803+1G>A on transcript NM_000535.7 (MANE Select); the canonical splice donor site of the intron after coding-DNA position 803, G replaced by A.
Molecular consequence: splice donor variant. On other transcripts: intron variant (3).
Genome position (GRCh38, 1-based): chr7:5,997,325, C>T on the plus strand (G>A on the coding strand, the complement: PMS2 is on the minus strand). VCF-style: chr7-5997325-C-T. GRCh37 (hg19) VCF-style: chr7-6036956-C-T.
Other names: c.485+1G>A (NM_001322008.2, NM_001406902.1, NM_001406883.1 and 4 more transcripts); c.494+1G>A (NM_001406881.1, NM_001406879.1, NM_001322015.2 and 6 more transcripts); c.398+1G>A (NM_001406895.1, NM_001322010.2, NM_001322004.2 and 19 more transcripts); c.132+5128G>A (NM_001406911.1); c.290+1G>A (NM_001406904.1, NM_001406905.1); c.230+1G>A (NM_001322013.2, NM_001406909.1); c.-131+1G>A (NM_001322012.2, NM_001322011.2); c.467+1G>A (NM_001406885.1); and 7 more.
Identifiers: ClinVar variation 862267 (VCV000862267.12), dbSNP rs1562669585, ClinGen allele CA366743599.

ClinVar aggregate classification (germline): Conflicting classifications of pathogenicity. Review status: criteria provided, conflicting classifications (1 of 4 stars). 5 submissions from 5 submitters: Pathogenic (2); Likely pathogenic (2); Uncertain significance (1). Last evaluated 2024-06-26.

Conditions:
Hereditary nonpolyposis colorectal neoplasms. Identifiers: MedGen C0009405, MeSH D003123.
Lynch syndrome 4 (LYNCH4). Also called: Hereditary non-polyposis colorectal cancer, type 4; Colorectal cancer, hereditary nonpolyposis, type 4. Identifiers: Orphanet 144, MedGen C1838333, MONDO:0013699, OMIM 614337. Disease mechanism: loss of function.
Hereditary cancer-predisposing syndrome. Also called: Tumor predisposition; Hereditary neoplastic syndrome; Neoplastic Syndromes, Hereditary; Hereditary Cancer Syndrome. Identifiers: Orphanet 140162, MedGen C0027672, MeSH D009386, MONDO:0015356.

Allele frequency attached by ClinVar (database versions not stated): gnomAD exomes below 0.00001.
gnomAD v4.1: 2 of 1,450,044 alleles (0.00014%); highest among the groups gnomAD compares: Non-Finnish European, 0.00019%; no homozygotes.

Submissions (5):

Ambry Genetics
Classification: Uncertain significance for Hereditary cancer-predisposing syndrome. Last evaluated: 2024-06-26. Review status: criteria provided, single submitter. Criteria: Ambry Variant Classification Scheme 2023. Collection method: clinical testing. Allele origin: germline.
Comment: The c.803+1G>A intronic variant results from a G to A substitution one nucleotide after coding exon 7 of the PMS2 gene. Alterations that disrupt the canonical splice site are expected to cause aberrant splicing, resulting in an abnormal protein or a transcript that is subject to nonsense-mediated mRNA decay. This nucleotide position is highly conserved in available vertebrate species. In silico splice site analysis predicts that this alteration will weaken the native splice donor site and may also create or strengthen a novel splice donor site resulting in a protein with an in-frame deletion; however, direct evidence is insufficient at this time (Ambry internal data). Based on the available evidence, the clinical significance of this variant remains unclear.

Myriad Genetics, Inc.
Classification: Likely pathogenic for Lynch syndrome 4. Last evaluated: 2023-09-19. Review status: criteria provided, single submitter. Criteria: Myriad Autosomal Dominant, Autosomal Recessive and X-Linked Classification Criteria (2023). Collection method: clinical testing. Allele origin: unknown.
Comment: This variant is considered likely pathogenic. This variant occurs within a consensus splice junction and is predicted to result in abnormal mRNA splicing of either an out-of-frame exon or an in-frame exon necessary for protein stability and/or normal function.

Baylor Genetics
Classification: Pathogenic for Lynch syndrome 4. Last evaluated: 2023-04-27. Review status: criteria provided, single submitter. Criteria: ACMG Guidelines, 2015. Collection method: clinical testing. Allele origin: unknown.

Labcorp Genetics (formerly Invitae), Labcorp
Classification: Pathogenic for Hereditary nonpolyposis colorectal neoplasms. Last evaluated: 2022-09-06. Review status: criteria provided, single submitter. Criteria: Invitae Variant Classification Sherloc (09022015). Collection method: clinical testing. Allele origin: germline.
Comment: Disruption of this splice site has been observed in individuals with colorectal cancer (PMID: 31992580; Invitae). This variant is not present in population databases (gnomAD no frequency). ClinVar contains an entry for this variant (Variation ID: 862267). Algorithms developed to predict the effect of sequence changes on RNA splicing suggest that this variant may disrupt the consensus splice site. For these reasons, this variant has been classified as Pathogenic. This sequence change affects a donor splice site in intron 7 of the PMS2 gene. It is expected to disrupt RNA splicing. Variants that disrupt the donor or acceptor splice site typically lead to a loss of protein function (PMID: 16199547), and loss-of-function variants in PMS2 are known to be pathogenic (PMID: 21376568, 24362816).

Quest Diagnostics Nichols Institute San Juan Capistrano
Classification: Likely pathogenic. Last evaluated: 2020-10-20. Review status: criteria provided, single submitter. Criteria: Quest Diagnostics criteria. Collection method: clinical testing. Allele origin: unknown.
Comment: This variant is located in a canonical splice-donor site and is predicted to interfere with normal PMS2 mRNA splicing. To the best of our knowledge, the variant has not been reported in individuals with PMS2-related conditions in the published literature. Based on the available information, we predict that the variant is likely pathogenic.

Literature cited by the submitters: PubMed 31992580 (cited by Labcorp Genetics (formerly Invitae), Labcorp); PubMed 16199547 (cited by Labcorp Genetics (formerly Invitae), Labcorp); PubMed 21376568 (cited by Labcorp Genetics (formerly Invitae), Labcorp); PubMed 24362816 (cited by Labcorp Genetics (formerly Invitae), Labcorp); PubMed 14978792 (cited by Quest Diagnostics Nichols Institute San Juan Capistrano).